The following is an entry in ClinVar:

ClinVar aggregate classification (germline): Benign (1 of 4 stars; one submission).

Allele frequency attached by ClinVar (database versions not stated): ESP Exome Variant Server 0.00577; gnomAD 0.00587; TOPMed 0.00606; gnomAD exomes 0.00816; 1000 Genomes Project 30x 0.00859; 1000 Genomes Project 0.00879; ExAC 0.00890.
gnomAD v4.1: 12,790 of 1,613,660 alleles (0.79%); highest among the groups gnomAD compares: South Asian, 3.4%; 116 homozygotes.

Submission:

CeGaT Center for Human Genetics Tuebingen
Classification: Benign. Last evaluated: 2026-08-01. Review status: criteria provided, single submitter. Criteria: CeGaT Center For Human Genetics Tuebingen Variant Classification Criteria Version 2. Collection method: clinical testing. Allele origin: germline. Affected: yes. Observed: 10 variant alleles.
Comment: SPEF2: BP4, BS1, BS2

NM_024867.4(SPEF2):c.601A>G (p.Arg201Gly)

Gene: SPEF2 (sperm flagellar and cilia associated 2; plus strand). Cytogenetic location: 5p13.2.
Variant type: single nucleotide variant.
Coding change: c.601A>G on transcript NM_024867.4 (MANE Select); coding-DNA position 601, A replaced by G.
Protein change: p.Arg201Gly; replaces arginine 201 with glycine.
Molecular consequence: missense variant.
Genome position (GRCh38, 1-based): chr5:35,646,682, A>G. VCF-style: chr5-35646682-A-G. GRCh37 (hg19) VCF-style: chr5-35646784-A-G.
Other names: c.601A>G, p.Arg201Gly (NM_144722.4); short protein forms R201G.
Identifiers: ClinVar variation 3024771 (VCV003024771.22), dbSNP rs80010329, ClinGen allele CA3230213.
Genomic context (GRCh38, chr5:35,646,682, plus strand): 5'-TTCTGTTATTCTGAATCACTAAACTAATGTATATGGGATATTCAGCAATACTTAAACAGA[A>G]GACGACAAAATGAAATAATGGCCAAAATCCAAGCAGCTATTATACAGATTCCTAAACCTG-3'
Protein context (NP_079143.3, residues 191-211): FDIEKQYLNR[Arg201Gly]RQNEIMAKIQ